The following is an entry in ClinVar:

ClinVar aggregate classification (germline): Pathogenic/Likely pathogenic. Review status: criteria provided, multiple submitters, no conflicts (2 of 4 stars). 3 submissions from 3 submitters: Pathogenic (2); Likely pathogenic (1). Last evaluated 2024-10-17.

Conditions:
Retinitis pigmentosa 74 (RP74). Identifiers: Orphanet 791, MedGen C4225281, MONDO:0014692, OMIM 616562.
Bardet-Biedl syndrome 2 (BBS2). Identifiers: Orphanet 110, MedGen C2936863, MONDO:0014432, OMIM 615981.
BBS2-related disorder. Also called: BBS2-related condition; BBS2-related disorders. Identifiers: MedGen CN239228.
Bardet-Biedl syndrome (BBS). Identifiers: Orphanet 110, MedGen C0752166, MONDO:0015229.

Submissions (3):

PreventionGenetics, part of Exact Sciences
Classification: Pathogenic for BBS2-related condition. Last evaluated: 2024-10-17. Review status: criteria provided, single submitter. Criteria: ACMG Guidelines, 2015. Collection method: clinical testing. Allele origin: germline.
Comment: The BBS2 c.717+1G>T variant is predicted to disrupt the GT donor site and interfere with normal splicing. To our knowledge, this variant has not been reported in the literature. However, disruption of this splice site (c.717+1G>A; c.717+2T>G) has been observed in individuals with BBS2-related diseases (Reported as c.IVS6+2, Janssen et al. 2011. PubMed ID: 21052717; Chen et al. 2017. PubMed ID: 28717663). This variant has not been reported in a large population database (gnomAD), indicating this variant is rare. Variants that disrupt the consensus splice donor site in BBS2 are expected to be pathogenic. This variant is interpreted as pathogenic.

Fulgent Genetics
Classification: Likely pathogenic for Bardet-Biedl syndrome 2; Retinitis pigmentosa 74. Last evaluated: 2024-04-24. Review status: criteria provided, single submitter. Criteria: ACMG Guidelines, 2015. Collection method: clinical testing. Allele origin: germline.

Labcorp Genetics (formerly Invitae), Labcorp
Classification: Pathogenic for Bardet-Biedl syndrome. Last evaluated: 2022-05-11. Review status: criteria provided, single submitter. Criteria: Invitae Variant Classification Sherloc (09022015). Collection method: clinical testing. Allele origin: germline.
Comment: Algorithms developed to predict the effect of sequence changes on RNA splicing suggest that this variant may disrupt the consensus splice site. Studies have shown that disruption of this splice site alters BBS2 gene expression (PMID: 28717663). Disruption of this splice site has been observed in individual(s) with clinical features of BBS2-related conditions (PMID: 28717663). This variant is not present in population databases (gnomAD no frequency). This sequence change affects a donor splice site in intron 6 of the BBS2 gene. It is expected to disrupt RNA splicing. Variants that disrupt the donor or acceptor splice site typically lead to a loss of protein function (PMID: 16199547), and loss-of-function variants in BBS2 are known to be pathogenic (PMID: 11285252, 20177705, 24608809, 26518167). For these reasons, this variant has been classified as Pathogenic.

Literature cited by the submitters: PubMed 28717663 (cited by Labcorp Genetics (formerly Invitae), Labcorp); PubMed 16199547 (cited by Labcorp Genetics (formerly Invitae), Labcorp); PubMed 11285252 (cited by Labcorp Genetics (formerly Invitae), Labcorp); PubMed 20177705 (cited by Labcorp Genetics (formerly Invitae), Labcorp); PubMed 24608809 (cited by Labcorp Genetics (formerly Invitae), Labcorp); PubMed 26518167 (cited by Labcorp Genetics (formerly Invitae), Labcorp).

NM_031885.5(BBS2):c.717+1G>T

Gene: BBS2 (Bardet-Biedl syndrome 2; minus strand). Cytogenetic location: 16q13.
Variant type: single nucleotide variant.
Coding change: c.717+1G>T on transcript NM_031885.5 (MANE Select); the canonical splice donor site of the intron after coding-DNA position 717, G replaced by T.
Molecular consequence: splice donor variant.
Genome position (GRCh38, 1-based): chr16:56,506,119, C>A on the plus strand (G>T on the coding strand, the complement: BBS2 is on the minus strand). VCF-style: chr16-56506119-C-A. GRCh37 (hg19) VCF-style: chr16-56540031-C-A.
Other names: c.717+1G>T (NM_001377456.1, NM_031885.3).
Identifiers: ClinVar variation 2093277 (VCV002093277.6), dbSNP rs1047075022, ClinGen allele CA395982868.